The following is an entry in ClinVar:

ClinVar aggregate classification (germline): Uncertain significance. Review status: criteria provided, multiple submitters, no conflicts (2 of 4 stars). 6 submissions from 6 submitters: Uncertain significance (6). Last evaluated 2025-12-22.

Conditions:
Hereditary cancer-predisposing syndrome. Also called: Neoplastic Syndromes, Hereditary; Hereditary Cancer Syndrome; Tumor predisposition; Hereditary neoplastic syndrome. Identifiers: Orphanet 140162, MedGen C0027672, MeSH D009386, MONDO:0015356.
Familial cancer of breast. Also called: Hereditary breast cancer; hereditary breast carcinoma; BREAST CANCER, FAMILIAL. Identifiers: Orphanet 227535, MedGen C0346153, MONDO:0016419, OMIM 114480. Disease mechanism: loss of function.
Ataxia-telangiectasia syndrome (AT). Also called: Cerebello-oculocutaneous telangiectasia; Immunodeficiency with ataxia telangiectasia; Ataxia-telangiectasia, complementation group D; AT, COMPLEMENTATION GROUP C; Ataxia-telangiectasia, complementation group E; Ataxia-telangiectasia. Identifiers: Orphanet 100, MedGen C0004135, MONDO:0008840, OMIM 208900.

Allele frequency attached by ClinVar (database versions not stated): gnomAD exomes below 0.00001.
gnomAD v4.1: 3 of 1,613,674 alleles (0.00019%); highest among the groups gnomAD compares: Non-Finnish European, 0.00025%; no homozygotes.

Submissions (6):

Labcorp Genetics (formerly Invitae), Labcorp
Classification: Uncertain significance for Ataxia-telangiectasia syndrome. Last evaluated: 2025-12-22. Review status: criteria provided, single submitter. Criteria: Invitae Variant Classification Sherloc (09022015). Collection method: clinical testing. Allele origin: germline.
Comment: This sequence change replaces proline, which is neutral and non-polar, with alanine, which is neutral and non-polar, at codon 1112 of the ATM protein (p.Pro1112Ala). This variant is not present in population databases (gnomAD no frequency). This missense change has been observed in individual(s) with ovarian cancer (PMID: 24448499). ClinVar contains an entry for this variant (Variation ID: 231106). Invitae Evidence Modeling of protein sequence and biophysical properties (such as structural, functional, and spatial information, amino acid conservation, physicochemical variation, residue mobility, and thermodynamic stability) indicates that this missense variant is not expected to disrupt ATM protein function with a negative predictive value of 95%. In summary, the available evidence is currently insufficient to determine the role of this variant in disease. Therefore, it has been classified as a Variant of Uncertain Significance.

CeGaT Center for Human Genetics Tuebingen
Classification: Uncertain significance. Last evaluated: 2025-05-01. Review status: criteria provided, single submitter. Criteria: CeGaT Center For Human Genetics Tuebingen Variant Classification Criteria Version 2. Collection method: clinical testing. Allele origin: germline. Affected: yes. Observed: 1 variant allele.

Color Diagnostics, LLC DBA Color Health
Classification: Uncertain significance for Hereditary cancer-predisposing syndrome. Last evaluated: 2025-02-19. Review status: criteria provided, single submitter. Criteria: ACMG Guidelines, 2015. Collection method: clinical testing. Allele origin: germline.
Comment: This missense variant replaces proline with alanine at codon 1112 of the ATM protein. Computational prediction suggests that this variant may not impact protein structure and function. To our knowledge, functional studies have not been reported for this variant. This variant has not been reported in individuals affected with ATM-related disorders in the literature. This variant has not been identified in the general population by the Genome Aggregation Database (gnomAD). The available evidence is insufficient to determine the role of this variant in disease conclusively. Therefore, this variant is classified as a Variant of Uncertain Significance.

Ambry Genetics
Classification: Uncertain significance for Hereditary cancer-predisposing syndrome. Last evaluated: 2024-05-27. Review status: criteria provided, single submitter. Criteria: Ambry Variant Classification Scheme 2023. Collection method: clinical testing. Allele origin: germline.
Comment: The p.P1112A variant (also known as c.3334C>G), located in coding exon 22 of the ATM gene, results from a C to G substitution at nucleotide position 3334. The proline at codon 1112 is replaced by alanine, an amino acid with highly similar properties. This amino acid position is highly conserved in available vertebrate species. In addition, the in silico prediction for this alteration is inconclusive. Based on the available evidence, the clinical significance of this variant remains unclear.

Department of Pathology and Laboratory Medicine, Sinai Health System
Classification: Uncertain significance for Familial cancer of breast. Last evaluated: 2023-03-20. Review status: criteria provided, single submitter. Criteria: ACMG Guidelines, 2015. Collection method: clinical testing. Allele origin: germline. Affected: yes.

GeneDx
Classification: Uncertain significance. Last evaluated: 2015-08-05. Review status: criteria provided, single submitter. Criteria: GeneDx Variant Classification (06012015). Collection method: clinical testing. Allele origin: germline. Affected: yes.
Comment: This variant is denoted ATM c.3334C>G at the cDNA level, p.Pro1112Ala (P1112A) at the protein level, and results in the change of a Proline to an Alanine (CCT>GCT). This variant has been observed in at least one individual with a history of ovarian cancer (Kanchi 2014). ATM Pro1112Ala was not observed in approximately 6,500 individuals of European and African American ancestry in the NHLBI Exome Sequencing Project, suggesting it is not a common benign variant in these populations. Since Proline and Alanine differ in some properties, this is considered a semi-conservative amino acid substitution. ATM Pro1112Ala occurs at a position that is conserved across species and is located within a region that interacts with beta-adaptin (Tavtigian 2009). In silico analyses are inconsistent regarding the effect this variant may have on protein structure and function. Based on currently available information, it is unclear whether ATM Pro1112Ala is pathogenic or benign. We consider it to be a variant of uncertain significance.

Literature cited by the submitters: PubMed 24448499 (cited by 3 submitters); PubMed 33471991 (cited by Department of Pathology and Laboratory Medicine, Sinai Health System).

NM_000051.4(ATM):c.3334C>G (p.Pro1112Ala)

Gene: ATM (ATM serine/threonine kinase; plus strand). Cytogenetic location: 11q22.3.
Variant type: single nucleotide variant.
Coding change: c.3334C>G on transcript NM_000051.4 (MANE Select); coding-DNA position 3334, C replaced by G.
Protein change: p.Pro1112Ala; replaces proline 1112 with alanine.
Molecular consequence: missense variant.
Genome position (GRCh38, 1-based): chr11:108,279,540, C>G. VCF-style: chr11-108279540-C-G. GRCh37 (hg19) VCF-style: chr11-108150267-C-G.
Other names: c.3334C>G, p.Pro1112Ala (NM_001351834.2); c.3334C>G (NM_000051.2); short protein forms P1112A.
Identifiers: ClinVar variation 231106 (VCV000231106.32), dbSNP rs876658963, ClinGen allele CA10579097.